The following is an entry in ClinVar:

ClinVar aggregate classification (germline): Uncertain significance (1 of 4 stars; one submission).

Conditions:
Autosomal dominant hypocalcemia 1 (HYPOC1). Also called: HYPOCALCEMIA, FAMILIAL. Identifiers: MedGen C3715128, MONDO:0011013, OMIM 601198.
Familial hypocalciuric hypercalcemia (FHH). Also called: Familial benign hypercalcemia. Identifiers: Orphanet 405, MedGen C1809471, MONDO:0018458.

Submission:

Labcorp Genetics (formerly Invitae), Labcorp
Classification: Uncertain significance for Familial hypocalciuric hypercalcemia; Autosomal dominant hypocalcemia 1. Last evaluated: 2024-09-19. Review status: criteria provided, single submitter. Criteria: Invitae Variant Classification Sherloc (09022015). Collection method: clinical testing. Allele origin: germline.
Comment: This sequence change replaces serine, which is neutral and polar, with isoleucine, which is neutral and non-polar, at codon 166 of the CASR protein (p.Ser166Ile). This variant is not present in population databases (gnomAD no frequency). This missense change has been observed in individual(s) with hypocalciuric hypercalcaemia (PMID: 32347971). An algorithm developed to predict the effect of missense changes on protein structure and function (PolyPhen-2) suggests that this variant is likely to be disruptive. In summary, the available evidence is currently insufficient to determine the role of this variant in disease. Therefore, it has been classified as a Variant of Uncertain Significance.

Literature cited by the submitters: PubMed 32347971.

NM_000388.4(CASR):c.497G>T (p.Ser166Ile)

Gene: CASR (calcium sensing receptor; plus strand). Cytogenetic location: 3q21.1.
Variant type: single nucleotide variant.
Coding change: c.497G>T on transcript NM_000388.4 (MANE Select); coding-DNA position 497, G replaced by T.
Protein change: p.Ser166Ile; replaces serine 166 with isoleucine.
Molecular consequence: missense variant.
Genome position (GRCh38, 1-based): chr3:122,261,532, G>T. VCF-style: chr3-122261532-G-T. GRCh37 (hg19) VCF-style: chr3-121980379-G-T.
Other names: c.497G>T, p.Ser166Ile (NM_001178065.2); short protein forms S166I.
Identifiers: ClinVar variation 3749625 (VCV003749625.2).